The following is an entry in ClinVar:

NM_003793.4(CTSF):c.1407C>T (p.Ser469=)

Gene: CTSF (cathepsin F; minus strand). Cytogenetic location: 11q13.2.
Variant type: single nucleotide variant.
Coding change: c.1407C>T on transcript NM_003793.4 (MANE Select); coding-DNA position 1407, C replaced by T.
Protein change: p.Ser469=; no amino-acid change (serine 469 retained).
Molecular consequence: synonymous variant.
Genome position (GRCh38, 1-based): chr11:66,563,981, G>A on the plus strand (C>T on the coding strand, the complement: CTSF is on the minus strand). VCF-style: chr11-66563981-G-A. GRCh37 (hg19) VCF-style: chr11-66331452-G-A.
Identifiers: ClinVar variation 724858 (VCV000724858.35), dbSNP rs144556402, ClinGen allele CA6125199.

ClinVar aggregate classification (germline): Benign/Likely benign. Review status: criteria provided, multiple submitters, no conflicts (2 of 4 stars). 6 submissions from 6 submitters: Benign (1); Likely benign (5). Last evaluated 2026-01-19.

Conditions:
CTSF-related disorder. Also called: CTSF-related condition.
Inborn genetic diseases. Identifiers: MedGen C0950123, MeSH D030342.
Neuronal ceroid lipofuscinosis 13 (CLN13). Also called: CLN13 Disease; CEROID LIPOFUSCINOSIS, NEURONAL, 13 (KUFS TYPE). Identifiers: Orphanet 352709, Orphanet 79262, MedGen C3715049, MONDO:0014147, OMIM 615362.

Allele frequency attached by ClinVar (database versions not stated): 1000 Genomes Project 0.00020; 1000 Genomes Project 30x 0.00031; ESP Exome Variant Server 0.00031; gnomAD exomes 0.00037 and 0.00071; TOPMed 0.00038; gnomAD 0.00039 and 0.00044; ExAC 0.00074.

Submissions (6):

Labcorp Genetics (formerly Invitae), Labcorp
Classification: Benign for Neuronal ceroid lipofuscinosis 13. Last evaluated: 2026-01-19. Review status: criteria provided, single submitter. Criteria: Invitae Variant Classification Sherloc (09022015). Collection method: clinical testing. Allele origin: germline.

PreventionGenetics, part of Exact Sciences
Classification: Likely benign for CTSF-related condition. Last evaluated: 2025-01-06. Review status: criteria provided, single submitter. Criteria: ACMG Guidelines, 2015. Collection method: clinical testing. Allele origin: germline.
Comment: This variant is classified as likely benign based on ACMG/AMP sequence variant interpretation guidelines (Richards et al. 2015 PMID: 25741868, with internal and published modifications).

Blueprint Genetics
Classification: Likely benign. Last evaluated: 2024-07-23. Review status: criteria provided, single submitter. Criteria: ACMG Guidelines, 2015. Collection method: clinical testing. Allele origin: germline.

CeGaT Center for Human Genetics Tuebingen
Classification: Likely benign. Last evaluated: 2024-05-01. Review status: criteria provided, single submitter. Criteria: CeGaT Center For Human Genetics Tuebingen Variant Classification Criteria Version 2. Collection method: clinical testing. Allele origin: germline. Affected: yes. Observed: 1 variant allele.
Comment: CTSF: BS2

GeneDx
Classification: Likely benign. Last evaluated: 2021-08-03. Review status: criteria provided, single submitter. Criteria: GeneDx Variant Classification Process June 2021. Collection method: clinical testing. Allele origin: germline. Affected: yes.

Ambry Genetics
Classification: Likely benign for Inborn genetic diseases. Last evaluated: 2017-10-20. Review status: criteria provided, single submitter. Criteria: Ambry Variant Classification Scheme 2023. Collection method: clinical testing. Allele origin: germline.